The following is an entry in ClinVar:

NM_012238.5(SIRT1):c.492GGA[1] (p.Glu165del)

Gene: SIRT1 (sirtuin 1; plus strand). Cytogenetic location: 10q21.3.
Variant type: Microsatellite.
Coding change: c.492GGA[1] on transcript NM_012238.5 (MANE Select); one copy of the 3-base unit GGA starting at c.492; the reference has two copies in a row; one copy, 3 bases deleted.
Protein change: p.Glu165del; deletes glutamic acid 165.
Molecular consequence: inframe deletion. On other transcripts: 5 prime UTR variant (2).
Genome position (GRCh38, 1-based): chr10:67,887,481-67,887,483, GGA deleted; deleting any 3 consecutive bases within chr10:67,887,476-67,887,483 gives the same sequence; the position shown is the placement nearest the transcript's 3' end. VCF-style (leftmost placement, unchanged base first): chr10-67887475-TGAG-T. GRCh37 (hg19) VCF-style: chr10-69647233-TGAG-T.
Other names: c.-152GGA[1] (NM_001142498.2); c.-543GGA[1] (NM_001314049.2); short protein forms E165del.
Identifiers: ClinVar variation 2957038 (VCV002957038.3), dbSNP rs1166803467, ClinGen allele CA593893575.
Genomic context (GRCh38, chr10:67,887,475, plus strand): 5'-AGATAACCTTCTGTTCGGTGATGAAATTATCACTAATGGTTTTCATTCCTGTGAAAGTGA[TGAG>T]GAGGATAGAGCCTCACATGCAAGCTCTAGTGACTGGACTCCAAGGCCACGGATAGGTATG-3'

ClinVar aggregate classification (germline): Uncertain significance (1 of 4 stars; one submission).

Submission:

Labcorp Genetics (formerly Invitae), Labcorp
Classification: Uncertain significance. Last evaluated: 2023-03-20. Review status: criteria provided, single submitter. Criteria: Invitae Variant Classification Sherloc (09022015). Collection method: clinical testing. Allele origin: germline.
Comment: This variant, c.495_497del, results in the deletion of 1 amino acid(s) of the SIRT1 protein (p.Glu165del), but otherwise preserves the integrity of the reading frame. In summary, the available evidence is currently insufficient to determine the role of this variant in disease. Therefore, it has been classified as a Variant of Uncertain Significance. Experimental studies and prediction algorithms are not available or were not evaluated, and the functional significance of this variant is currently unknown. This variant has not been reported in the literature in individuals affected with SIRT1-related conditions. This variant is present in population databases (no rsID available, gnomAD 0.005%).